The following is an entry in ClinVar:

ClinVar aggregate classification (germline): Uncertain significance. Review status: criteria provided, multiple submitters, no conflicts (2 of 4 stars). 3 submissions from 3 submitters: Uncertain significance (3). Last evaluated 2023-02-23.

Conditions:
Inborn genetic diseases. Identifiers: MedGen C0950123, MeSH D030342.

Allele frequency attached by ClinVar (database versions not stated): ExAC 0.00001.
gnomAD v4.1: 5 of 1,614,104 alleles (0.00031%); highest among the groups gnomAD compares: East Asian, 0.0022%; no homozygotes.

Submissions (3):

Ambry Genetics
Classification: Uncertain significance for Inborn genetic diseases. Last evaluated: 2023-02-23. Review status: criteria provided, single submitter. Criteria: Ambry Variant Classification Scheme 2023. Collection method: clinical testing. Allele origin: germline.

GeneDx
Classification: Uncertain significance. Last evaluated: 2023-02-01. Review status: criteria provided, single submitter. Criteria: GeneDx Variant Classification Process June 2021. Collection method: clinical testing. Allele origin: germline. Affected: yes.
Comment: Not observed at significant frequency in large population cohorts (gnomAD); In silico analysis supports that this missense variant does not alter protein structure/function; Has not been previously published as pathogenic or benign to our knowledge; This variant is associated with the following publications: (PMID: Miyazaki2018[Dissertation])

CeGaT Center for Human Genetics Tuebingen
Classification: Uncertain significance. Last evaluated: 2022-01-01. Review status: criteria provided, single submitter. Criteria: CeGaT Center For Human Genetics Tuebingen Variant Classification Criteria Version 2. Collection method: clinical testing. Allele origin: germline. Affected: yes. Observed: 1 variant allele.

NM_005097.4(LGI1):c.1123G>A (p.Ala375Thr)

Gene: LGI1 (leucine rich glioma inactivated 1; plus strand). Cytogenetic location: 10q23.33.
Variant type: single nucleotide variant.
Coding change: c.1123G>A on transcript NM_005097.4 (MANE Select); coding-DNA position 1123, G replaced by A.
Protein change: p.Ala375Thr; replaces alanine 375 with threonine.
Molecular consequence: missense variant. On other transcripts: non-coding transcript variant (1), intron variant (1).
Genome position (GRCh38, 1-based): chr10:93,797,252, G>A. VCF-style: chr10-93797252-G-A. GRCh37 (hg19) VCF-style: chr10-95557009-G-A.
Other names: c.979G>A, p.Ala327Thr (NM_001308276.2); c.839-497G>A (NM_001308275.2); c.1123G>A (NM_005097.2); short protein forms A327T, A375T.
Identifiers: ClinVar variation 1675426 (VCV001675426.36), dbSNP rs757480776, ClinGen allele CA5611228.